The following is an entry in ClinVar:

NM_014000.3(VCL):c.1997A>G (p.Lys666Arg)

Gene: VCL (vinculin; plus strand). Cytogenetic location: 10q22.2.
Variant type: single nucleotide variant.
Coding change: c.1997A>G on transcript NM_014000.3 (MANE Select); coding-DNA position 1997, A replaced by G.
Protein change: p.Lys666Arg; replaces lysine 666 with arginine.
Molecular consequence: missense variant.
Genome position (GRCh38, 1-based): chr10:74,101,072, A>G. VCF-style: chr10-74101072-A-G. GRCh37 (hg19) VCF-style: chr10-75860830-A-G.
Other names: c.1997A>G, p.Lys666Arg (NM_003373.4); short protein forms K666R.
Identifiers: ClinVar variation 4759788 (VCV004759788.1).

ClinVar aggregate classification (germline): Uncertain significance (1 of 4 stars; one submission).

Conditions:
Dilated cardiomyopathy 1W (CMD1W). Identifiers: Orphanet 154, MedGen C1969639, MONDO:0012667, OMIM 611407.

Submission:

Labcorp Genetics (formerly Invitae), Labcorp
Classification: Uncertain significance for Dilated cardiomyopathy 1W. Last evaluated: 2025-05-13. Review status: criteria provided, single submitter. Criteria: Invitae Variant Classification Sherloc (09022015). Collection method: clinical testing. Allele origin: germline.
Comment: This sequence change replaces lysine, which is basic and polar, with arginine, which is basic and polar, at codon 666 of the VCL protein (p.Lys666Arg). This variant is not present in population databases (gnomAD no frequency). This variant has not been reported in the literature in individuals affected with VCL-related conditions. An algorithm developed to predict the effect of missense changes on protein structure and function (PolyPhen-2) suggests that this variant is likely to be disruptive. In summary, the available evidence is currently insufficient to determine the role of this variant in disease. Therefore, it has been classified as a Variant of Uncertain Significance.